The following is an entry in ClinVar:

ClinVar aggregate classification (germline): Uncertain significance. Review status: criteria provided, multiple submitters, no conflicts (2 of 4 stars). 2 submissions from 2 submitters: Uncertain significance (2). Last evaluated 2025-10-02.

Conditions:
Inborn genetic diseases. Identifiers: MedGen C0950123, MeSH D030342.

Allele frequency attached by ClinVar (database versions not stated): gnomAD exomes below 0.00001.
gnomAD v4.1: 3 of 1,583,766 alleles (0.00019%); highest among the groups gnomAD compares: Non-Finnish European, 0.00026%; no homozygotes.

Submissions (2):

Ambry Genetics
Classification: Uncertain significance for Inborn genetic diseases. Last evaluated: 2025-10-02. Review status: criteria provided, single submitter. Criteria: Ambry Variant Classification Scheme 2023. Collection method: clinical testing. Allele origin: germline.

GeneDx
Classification: Uncertain significance. Last evaluated: 2019-09-24. Review status: criteria provided, single submitter. Criteria: GeneDx Variant Classification Process June 2021. Collection method: clinical testing. Allele origin: germline. Affected: yes.
Comment: Not observed in large population cohorts (Lek et al., 2016); In silico analysis, which includes protein predictors and evolutionary conservation, supports a deleterious effect; Has not been previously published as pathogenic or benign to our knowledge

NM_017433.5(MYO3A):c.1072C>T (p.Leu358Phe)

Gene: MYO3A (myosin IIIA; plus strand). Cytogenetic location: 10p12.1.
Variant type: single nucleotide variant.
Coding change: c.1072C>T on transcript NM_017433.5 (MANE Select); coding-DNA position 1072, C replaced by T.
Protein change: p.Leu358Phe; replaces leucine 358 with phenylalanine.
Molecular consequence: missense variant.
Genome position (GRCh38, 1-based): chr10:26,068,786, C>T. VCF-style: chr10-26068786-C-T. GRCh37 (hg19) VCF-style: chr10-26357715-C-T.
Other names: short protein forms L358F.
Identifiers: ClinVar variation 1308827 (VCV001308827.3), dbSNP rs2131379855, ClinGen allele CA376333766.